The following is an entry in ClinVar:

NM_000302.4(PLOD1):c.2068C>T (p.Arg690Ter)

Gene: PLOD1 (procollagen-lysine,2-oxoglutarate 5-dioxygenase 1; plus strand). Cytogenetic location: 1p36.22.
Variant type: single nucleotide variant.
Coding change: c.2068C>T on transcript NM_000302.4 (MANE Select); coding-DNA position 2068, C replaced by T.
Protein change: p.Arg690Ter; replaces arginine 690 with a stop codon.
Molecular consequence: nonsense.
Genome position (GRCh38, 1-based): chr1:11,974,692, C>T. VCF-style: chr1-11974692-C-T. GRCh37 (hg19) VCF-style: chr1-12034749-C-T.
Other names: c.2209C>T, p.Arg737Ter (NM_001316320.2); short protein forms R690*, R737*.
Identifiers: ClinVar variation 644297 (VCV000644297.8), dbSNP rs373094220, ClinGen allele CA598671.

ClinVar aggregate classification (germline): Uncertain significance (1 of 4 stars; one submission).

Conditions:
Ehlers-Danlos syndrome, kyphoscoliotic type 1 (EDSKSCL1). Also called: EHLERS-DANLOS SYNDROME, TYPE VIA; PLOD1-Related Kyphoscoliotic Ehlers-Danlos Syndrome; EHLERS-DANLOS SYNDROME, OCULAR-SCOLIOTIC TYPE; Ehlers-Danlos syndrome, hydroxylysine-deficient. Identifiers: Orphanet 1900, MedGen C0268342, MONDO:0016002, OMIM 225400. Disease mechanism: loss of function.

Allele frequency attached by ClinVar (database versions not stated): gnomAD exomes below 0.00001; TOPMed below 0.00001; ExAC 0.00001; gnomAD 0.00001; ESP Exome Variant Server 0.00008.
gnomAD v4.1: 9 of 1,613,820 alleles (0.00056%); highest among the groups gnomAD compares: African/African-American, 0.004%; no homozygotes.

Submission:

Labcorp Genetics (formerly Invitae), Labcorp
Classification: Uncertain significance for Ehlers-Danlos syndrome, kyphoscoliotic type 1. Last evaluated: 2018-09-23. Review status: criteria provided, single submitter. Criteria: Invitae Variant Classification Sherloc (09022015). Collection method: clinical testing. Allele origin: germline.
Comment: In summary, the available evidence is currently insufficient to determine the role of this variant in disease. Therefore, it has been classified as a Variant of Uncertain Significance. This variant disrupts a region of the protein in which other variant(s) (p.His706Arg) have been observed in affected individuals (PMID: 15979919). This suggests that this may be a clinically significant region of the PLOD1 protein. Experimental studies and prediction algorithms are not available for this variant, and the functional significance of the affected amino acid(s) is currently unknown. This variant has not been reported in the literature in individuals with PLOD1-related disease. This variant is present in population databases (rs373094220, ExAC 0.01%). This sequence change results in a premature translational stop signal in the PLOD1 gene (p.Arg690*). While this is not anticipated to result in nonsense mediated decay, it is expected to disrupt the last 38 amino acids of the PLOD1 protein.

Literature cited by the submitters: PubMed 15979919.